The following is an entry in ClinVar:

ClinVar aggregate classification (germline): Uncertain significance. Review status: criteria provided, multiple submitters, no conflicts (2 of 4 stars). 2 submissions from 2 submitters: Uncertain significance (2). Last evaluated 2025-03-31.

Conditions:
Inborn genetic diseases. Identifiers: MedGen C0950123, MeSH D030342.
Short-rib thoracic dysplasia 8 with or without polydactyly (SRTD8). Also called: SHORT-RIB THORACIC DYSPLASIA 8 WITH POLYDACTYLY. Identifiers: Orphanet 93271, MedGen C3809691, MONDO:0014214, OMIM 615503.

Allele frequency attached by ClinVar (database versions not stated): gnomAD exomes 0.00004; ExAC 0.00007; TOPMed 0.00004; ESP Exome Variant Server 0.00025; gnomAD 0.00004.
gnomAD v4.1: 66 of 1,577,248 alleles (0.0042%); highest among the groups gnomAD compares: Non-Finnish European, 0.0053%; no homozygotes.

Submissions (2):

Ambry Genetics
Classification: Uncertain significance for Inborn genetic diseases. Last evaluated: 2025-03-31. Review status: criteria provided, single submitter. Criteria: Ambry Variant Classification Scheme 2023. Collection method: clinical testing. Allele origin: germline.

Labcorp Genetics (formerly Invitae), Labcorp
Classification: Uncertain significance for Short-rib thoracic dysplasia 8 with or without polydactyly. Last evaluated: 2021-09-24. Review status: criteria provided, single submitter. Criteria: Invitae Variant Classification Sherloc (09022015). Collection method: clinical testing. Allele origin: germline.
Comment: This sequence change replaces isoleucine with valine at codon 907 of the WDR60 protein (p.Ile907Val). The isoleucine residue is weakly conserved and there is a small physicochemical difference between isoleucine and valine. This variant is present in population databases (rs200862059, ExAC 0.02%). This variant has not been reported in the literature in individuals with WDR60-related conditions. Algorithms developed to predict the effect of missense changes on protein structure and function output the following: SIFT: "Tolerated"; PolyPhen-2: "Benign"; Align-GVGD: "Class C0". The valine amino acid residue is found in multiple mammalian species, suggesting that this missense change does not adversely affect protein function. These predictions have not been confirmed by published functional studies and their clinical significance is uncertain. Algorithms developed to predict the effect of sequence changes on RNA splicing suggest that this variant may create or strengthen a splice site, but this prediction has not been confirmed by published transcriptional studies. In summary, the available evidence is currently insufficient to determine the role of this variant in disease. Therefore, it has been classified as a Variant of Uncertain Significance.

NM_018051.5(DYNC2I1):c.2719A>G (p.Ile907Val)

Gene: DYNC2I1 (dynein 2 intermediate chain 1; plus strand). Cytogenetic location: 7q36.3.
Variant type: single nucleotide variant.
Coding change: c.2719A>G on transcript NM_018051.5 (MANE Select); coding-DNA position 2719, A replaced by G.
Protein change: p.Ile907Val; replaces isoleucine 907 with valine.
Molecular consequence: missense variant.
Genome position (GRCh38, 1-based): chr7:158,934,490, A>G. VCF-style: chr7-158934490-A-G. GRCh37 (hg19) VCF-style: chr7-158727181-A-G.
Other names: c.2581A>G, p.Ile861Val (NM_001350914.2); c.2146A>G, p.Ile716Val (NM_001350915.2); c.1258A>G, p.Ile420Val (NM_001350916.2); c.1471A>G, p.Ile491Val (NM_001350917.2, NM_001350918.2); c.2719A>G (NM_018051.4); short protein forms I491V, I861V, I907V, I420V, I716V.
Identifiers: ClinVar variation 2038536 (VCV002038536.2), dbSNP rs200862059, ClinGen allele CA4595074.